The following is an entry in ClinVar:

NM_005585.5(SMAD6):c.273G>T (p.Arg91Ser)

Gene: SMAD6 (SMAD family member 6; plus strand). Cytogenetic location: 15q22.31.
Variant type: single nucleotide variant.
Coding change: c.273G>T on transcript NM_005585.5 (MANE Select); coding-DNA position 273, G replaced by T.
Protein change: p.Arg91Ser; replaces arginine 91 with serine.
Molecular consequence: missense variant. On other transcripts: non-coding transcript variant (1).
Genome position (GRCh38, 1-based): chr15:66,703,531, G>T. VCF-style: chr15-66703531-G-T. GRCh37 (hg19) VCF-style: chr15-66995869-G-T.
Other names: short protein forms R91S.
Identifiers: ClinVar variation 4745023 (VCV004745023.1).
Genomic context (GRCh38, chr15:66,703,531, plus strand): 5'-AGTGGGACAGCGAGGCGCCCAGGGCGCGGGGAGGCGCCGGCGCGCAGGGGGCCCCCCGAG[G>T]CCCATGTCGGAGCCAGGGGCCGGCGCTGGGAGCTCCCTGCTGGACGTGGCGGAGCCGGGA-3'
Protein context (NP_005576.3, residues 81-101): GRRRRAGGPP[Arg91Ser]PMSEPGAGAG

ClinVar aggregate classification (germline): Uncertain significance (1 of 4 stars; one submission).

Conditions:
Aortic valve disease 2 (AOVD2). Identifiers: MedGen C3542024, MONDO:0013902, OMIM 614823.

gnomAD v4.1: 2 of 1,221,934 alleles (0.00016%); highest among the groups gnomAD compares: Non-Finnish European, 0.0002%; no homozygotes.

Submission:

Labcorp Genetics (formerly Invitae), Labcorp
Classification: Uncertain significance for Aortic valve disease 2. Last evaluated: 2025-07-27. Review status: criteria provided, single submitter. Criteria: Invitae Variant Classification Sherloc (09022015). Collection method: clinical testing. Allele origin: germline.
Comment: This sequence change replaces arginine, which is basic and polar, with serine, which is neutral and polar, at codon 91 of the SMAD6 protein (p.Arg91Ser). This variant is not present in population databases (gnomAD no frequency). This variant has not been reported in the literature in individuals affected with SMAD6-related conditions. An algorithm developed to predict the effect of missense changes on protein structure and function (PolyPhen-2) suggests that this variant is likely to be tolerated. In summary, the available evidence is currently insufficient to determine the role of this variant in disease. Therefore, it has been classified as a Variant of Uncertain Significance.